The following is an entry in ClinVar:

GRCh37/hg19 8q21.3(chr8:90758337-91556317)x3

Genes: CALB1 (calbindin 1; minus strand), DECR1 (2,4-dienoyl-CoA reductase 1; plus strand), NBN (nibrin; minus strand), OSGIN2 (oxidative stress induced growth inhibitor family member 2; plus strand), RIPK2 (receptor interacting serine/threonine kinase 2; plus strand). Cytogenetic location: 8q21.3.
Variant type: copy number gain.
Change: copy number 3 (three copies instead of two) of chr8:90,758,337-91,556,317 (798.0 kb, GRCh37 coordinates, 1-based), cytogenetic band 8q21.3.
Identifiers: ClinVar variation 816526 (VCV000816526.2).

ClinVar aggregate classification (germline): Uncertain significance (1 of 4 stars; one submission).

Submission:

Clinical Genomics Laboratory, Laboratory for Precision Diagnostics, University of Washington
Classification: Uncertain significance. Last evaluated: 2018-05-04. Review status: criteria provided, single submitter. Criteria: Clinical Cytogenomics Laboratory Policy on CNV Interpretation. Collection method: clinical testing. Allele origin: unknown. Affected: yes. Observed: 1 variant allele.